The following is an entry in ClinVar:

NM_144670.6(A2ML1):c.97T>G (p.Phe33Val)

Genes: A2ML1 (alpha-2-macroglobulin like 1; plus strand), A2ML1-AS1 (A2ML1 antisense RNA 1; minus strand). Cytogenetic location: 12p13.31.
Variant type: single nucleotide variant.
Coding change: c.97T>G on transcript NM_144670.6 (MANE Select); coding-DNA position 97, T replaced by G.
Protein change: p.Phe33Val; replaces phenylalanine 33 with valine.
Molecular consequence: missense variant.
Genome position (GRCh38, 1-based): chr12:8,823,216, T>G. VCF-style: chr12-8823216-T-G. GRCh37 (hg19) VCF-style: chr12-8975812-T-G.
Other names: short protein forms F33V.
Identifiers: ClinVar variation 2079830 (VCV002079830.4), dbSNP rs2539171673, ClinGen allele CA383817666.

ClinVar aggregate classification (germline): Uncertain significance (1 of 4 stars; one submission).

Submission:

Labcorp Genetics (formerly Invitae), Labcorp
Classification: Uncertain significance. Last evaluated: 2022-05-08. Review status: criteria provided, single submitter. Criteria: Invitae Variant Classification Sherloc (09022015). Collection method: clinical testing. Allele origin: germline.
Comment: In summary, the available evidence is currently insufficient to determine the role of this variant in disease. Therefore, it has been classified as a Variant of Uncertain Significance. Algorithms developed to predict the effect of missense changes on protein structure and function (SIFT, PolyPhen-2, Align-GVGD) all suggest that this variant is likely to be tolerated. This variant has not been reported in the literature in individuals affected with A2ML1-related conditions. This variant is not present in population databases (gnomAD no frequency). This sequence change replaces phenylalanine, which is neutral and non-polar, with valine, which is neutral and non-polar, at codon 33 of the A2ML1 protein (p.Phe33Val).